The following is an entry in ClinVar:

NM_001128225.3(SLC39A13):c.95G>T (p.Gly32Val)

Gene: SLC39A13 (solute carrier family 39 member 13; plus strand). Cytogenetic location: 11p11.2.
Variant type: single nucleotide variant.
Coding change: c.95G>T on transcript NM_001128225.3 (MANE Select); coding-DNA position 95, G replaced by T.
Protein change: p.Gly32Val; replaces glycine 32 with valine.
Molecular consequence: missense variant. On other transcripts: non-coding transcript variant (1).
Genome position (GRCh38, 1-based): chr11:47,410,189, G>T. VCF-style: chr11-47410189-G-T. GRCh37 (hg19) VCF-style: chr11-47431740-G-T.
Other names: p.Gly32Val; c.95G>T, p.Gly32Val (NM_001330245.2, NM_152264.5); short protein forms G32V.
Identifiers: ClinVar variation 952775 (VCV000952775.12), dbSNP rs754558033, ClinGen allele CA5975660.

ClinVar aggregate classification (germline): Uncertain significance. Review status: criteria provided, multiple submitters, no conflicts (2 of 4 stars). 4 submissions from 4 submitters: Uncertain significance (4). Last evaluated 2025-08-13.

Conditions:
Ehlers-Danlos syndrome, spondylodysplastic type, 3. Also called: Ehlers-Danlos syndrome, spondylocheirodysplastic type. Identifiers: Orphanet 157965, MedGen C2676510, MONDO:0012873, OMIM 612350.
Inborn genetic diseases. Identifiers: MedGen C0950123, MeSH D030342.

Allele frequency attached by ClinVar (database versions not stated): ExAC 0.00003; gnomAD 0.00003 and 0.00004; gnomAD exomes 0.00003; TOPMed 0.00006.
gnomAD v4.1: 23 of 1,613,650 alleles (0.0014%); highest among the groups gnomAD compares: Middle Eastern, 0.016%; no homozygotes.

Submissions (4):

Ambry Genetics
Classification: Uncertain significance for Inborn genetic diseases. Last evaluated: 2025-08-13. Review status: criteria provided, single submitter. Criteria: Ambry Variant Classification Scheme 2023. Collection method: clinical testing. Allele origin: germline.

Mayo Clinic Laboratories, Mayo Clinic
Classification: Uncertain significance. Last evaluated: 2022-12-14. Review status: criteria provided, single submitter. Criteria: ACMG Guidelines, 2015. Collection method: clinical testing. Allele origin: germline. Observed: 1 variant allele.
Comment: BP4

Labcorp Genetics (formerly Invitae), Labcorp
Classification: Uncertain significance for Ehlers-Danlos syndrome, spondylodysplastic type, 3. Last evaluated: 2022-06-10. Review status: criteria provided, single submitter. Criteria: Invitae Variant Classification Sherloc (09022015). Collection method: clinical testing. Allele origin: germline.
Comment: This sequence change replaces glycine, which is neutral and non-polar, with valine, which is neutral and non-polar, at codon 32 of the SLC39A13 protein (p.Gly32Val). This variant is present in population databases (rs754558033, gnomAD 0.006%). This variant has not been reported in the literature in individuals affected with SLC39A13-related conditions. ClinVar contains an entry for this variant (Variation ID: 952775). Algorithms developed to predict the effect of missense changes on protein structure and function are either unavailable or do not agree on the potential impact of this missense change (SIFT: "Tolerated"; PolyPhen-2: "Possibly Damaging"; Align-GVGD: "Class C0"). In summary, the available evidence is currently insufficient to determine the role of this variant in disease. Therefore, it has been classified as a Variant of Uncertain Significance.

GeneDx
Classification: Uncertain significance. Last evaluated: 2020-06-30. Review status: criteria provided, single submitter. Criteria: GeneDx Variant Classification Process June 2021. Collection method: clinical testing. Allele origin: germline. Affected: yes.
Comment: Not observed at a significant frequency in large population cohorts (Lek et al., 2016); In silico analysis supports that this missense variant does not alter protein structure/function; Has not been previously published as pathogenic or benign to our knowledge